The following is an entry in ClinVar:

NM_000038.6(APC):c.8155G>C (p.Glu2719Gln)

Gene: APC (APC regulator of Wnt signaling pathway; plus strand). Cytogenetic location: 5q22.2.
Variant type: single nucleotide variant.
Coding change: c.8155G>C on transcript NM_000038.6 (MANE Select); coding-DNA position 8155, G replaced by C.
Protein change: p.Glu2719Gln; replaces glutamic acid 2719 with glutamine.
Molecular consequence: missense variant. On other transcripts: non-coding transcript variant (2).
Genome position (GRCh38, 1-based): chr5:112,843,749, G>C. VCF-style: chr5-112843749-G-C. GRCh37 (hg19) VCF-style: chr5-112179446-G-C.
Other names: c.8155G>C, p.Glu2719Gln (NM_001127510.3, NM_001354895.2, NM_001407450.1); c.8101G>C, p.Glu2701Gln (NM_001127511.3); c.8209G>C, p.Glu2737Gln (NM_001354896.2, NM_001407447.1, NM_001407448.1 and 1 more transcripts); c.8185G>C, p.Glu2729Gln (NM_001354897.2); c.8080G>C, p.Glu2694Gln (NM_001354898.2); c.8071G>C, p.Glu2691Gln (NM_001354899.2); c.8032G>C, p.Glu2678Gln (NM_001354900.2); c.7978G>C, p.Glu2660Gln (NM_001354901.2, NM_001407453.1); and 11 more; short protein forms E2729Q, E2335Q, E2618Q, E2691Q, E2694Q, E2709Q, E2712Q, E2747Q.
Identifiers: ClinVar variation 3635526 (VCV003635526.2).

ClinVar aggregate classification (germline): Uncertain significance (1 of 4 stars; one submission).

Conditions:
Familial adenomatous polyposis 1 (FAP1). Also called: FAMILIAL ADENOMATOUS POLYPOSIS 1, ATTENUATED; POLYPOSIS, ADENOMATOUS INTESTINAL. Identifiers: MedGen C2713442, MONDO:0021056, OMIM 175100. Disease mechanism: loss of function.

Submission:

Labcorp Genetics (formerly Invitae), Labcorp
Classification: Uncertain significance for Familial adenomatous polyposis 1. Last evaluated: 2024-10-23. Review status: criteria provided, single submitter. Criteria: Invitae Variant Classification Sherloc (09022015). Collection method: clinical testing. Allele origin: germline.
Comment: This sequence change replaces glutamic acid, which is acidic and polar, with glutamine, which is neutral and polar, at codon 2719 of the APC protein (p.Glu2719Gln). This variant is not present in population databases (gnomAD no frequency). This variant has not been reported in the literature in individuals affected with APC-related conditions. Invitae Evidence Modeling of protein sequence and biophysical properties (such as structural, functional, and spatial information, amino acid conservation, physicochemical variation, residue mobility, and thermodynamic stability) indicates that this missense variant is not expected to disrupt APC protein function with a negative predictive value of 95%. In summary, the available evidence is currently insufficient to determine the role of this variant in disease. Therefore, it has been classified as a Variant of Uncertain Significance.